The following is an entry in ClinVar:

NM_000031.6(ALAD):c.874G>A (p.Gly292Arg)

Gene: ALAD (aminolevulinate dehydratase; minus strand). Cytogenetic location: 9q32.
Variant type: single nucleotide variant.
Coding change: c.874G>A on transcript NM_000031.6 (MANE Select); coding-DNA position 874, G replaced by A.
Protein change: p.Gly292Arg; replaces glycine 292 with arginine.
Molecular consequence: missense variant.
Genome position (GRCh38, 1-based): chr9:113,389,034, C>T on the plus strand (G>A on the coding strand, the complement: ALAD is on the minus strand). VCF-style: chr9-113389034-C-T. GRCh37 (hg19) VCF-style: chr9-116151314-C-T.
Other names: c.961G>A, p.Gly321Arg (NM_001003945.3); c.850G>A, p.Gly284Arg (NM_001317745.2); short protein forms G292R, G321R, G284R.
Identifiers: ClinVar variation 1033602 (VCV001033602.8), dbSNP rs200781693, ClinGen allele CA5196327.

ClinVar aggregate classification (germline): Uncertain significance. Review status: criteria provided, multiple submitters, no conflicts (2 of 4 stars). 4 submissions from 4 submitters: Uncertain significance (4). Last evaluated 2026-03-02.

Conditions:
Inborn genetic diseases. Identifiers: MedGen C0950123, MeSH D030342.
ALAD-related disorder. Also called: ALAD-related condition.
Porphobilinogen synthase deficiency. Also called: ALAD DEFICIENCY; DELTA-AMINOLEVULINATE DEHYDRATASE DEFICIENCY; DOSS PORPHYRIA; PORPHYRIA, ALAD; Porphyria due to ALA dehydratase deficiency. Identifiers: Orphanet 100924, MedGen C0268328, MONDO:0013000, OMIM 612740.

Allele frequency attached by ClinVar (database versions not stated): gnomAD exomes 0.00002 and 0.00005; ExAC 0.00004; gnomAD 0.00019 and 0.00021; 1000 Genomes Project 0.00020; 1000 Genomes Project 30x 0.00031; TOPMed 0.00058.
gnomAD v4.1: 64 of 1,613,864 alleles (0.004%); highest among the groups gnomAD compares: Admixed American, 0.073%; no homozygotes.

Submissions (4):

PreventionGenetics, part of Exact Sciences
Classification: Uncertain significance for ALAD-related condition. Last evaluated: 2026-03-02. Review status: criteria provided, single submitter. Criteria: ACMG Guidelines, 2015. Collection method: clinical testing. Allele origin: germline.
Comment: The ALAD c.874G>A variant is predicted to result in the amino acid substitution p.Gly292Arg. To our knowledge, this variant has not been reported in the literature. This variant is reported in 0.014% of alleles in individuals of Latino descent in gnomAD. At this time, the clinical significance of this variant is uncertain due to the absence of conclusive functional and genetic evidence.

Labcorp Genetics (formerly Invitae), Labcorp
Classification: Uncertain significance. Last evaluated: 2025-03-06. Review status: criteria provided, single submitter. Criteria: Invitae Variant Classification Sherloc (09022015). Collection method: clinical testing. Allele origin: germline.
Comment: This sequence change replaces glycine, which is neutral and non-polar, with arginine, which is basic and polar, at codon 292 of the ALAD protein (p.Gly292Arg). This variant is present in population databases (rs200781693, gnomAD 0.01%). This variant has not been reported in the literature in individuals affected with ALAD-related conditions. ClinVar contains an entry for this variant (Variation ID: 1033602). Invitae Evidence Modeling of protein sequence and biophysical properties (such as structural, functional, and spatial information, amino acid conservation, physicochemical variation, residue mobility, and thermodynamic stability) indicates that this missense variant is expected to disrupt ALAD protein function with a positive predictive value of 80%. In summary, the available evidence is currently insufficient to determine the role of this variant in disease. Therefore, it has been classified as a Variant of Uncertain Significance.

Ambry Genetics
Classification: Uncertain significance for Inborn genetic diseases. Last evaluated: 2024-07-17. Review status: criteria provided, single submitter. Criteria: Ambry Variant Classification Scheme 2023. Collection method: clinical testing. Allele origin: germline.

Baylor Genetics
Classification: Uncertain significance for Porphobilinogen synthase deficiency. Last evaluated: 2018-02-06. Review status: criteria provided, single submitter. Criteria: ACMG Guidelines, 2015. Collection method: clinical testing. Allele origin: unknown. Affected: yes.
Comment: This variant was determined to be of uncertain significance according to ACMG Guidelines, 2015 [PMID:25741868].